The following is an entry in ClinVar:

NM_032043.3(BRIP1):c.3647dup (p.Trp1217fs)

Gene: BRIP1 (BRCA1 interacting DNA helicase 1; minus strand). Cytogenetic location: 17q23.2.
Variant type: Duplication.
Coding change: c.3647dup on transcript NM_032043.3 (MANE Select); coding-DNA position 3647, one base duplicated (C; older notation c.3647dupC).
Protein change: p.Trp1217fs; shifts the reading frame from tryptophan 1217.
Molecular consequence: frameshift variant.
Genome position (GRCh38, 1-based): chr17:61,683,399, G duplicated on the plus strand (C on the coding strand, the reverse complement: BRIP1 is on the minus strand). VCF-style (leftmost placement, unchanged base first): chr17-61683398-A-AG. GRCh37 (hg19) VCF-style: chr17-59760759-A-AG.
Other names: c.3647dupC (NM_032043.2); short protein forms W1217fs.
Identifiers: ClinVar variation 3825676 (VCV003825676.1).

ClinVar aggregate classification (germline): Uncertain significance (1 of 4 stars; one submission).

Conditions:
Hereditary cancer-predisposing syndrome. Also called: Hereditary neoplastic syndrome; Neoplastic Syndromes, Hereditary; Tumor predisposition; Hereditary Cancer Syndrome. Identifiers: Orphanet 140162, MedGen C0027672, MeSH D009386, MONDO:0015356.

Submission:

Ambry Genetics
Classification: Uncertain significance for Hereditary cancer-predisposing syndrome. Last evaluated: 2025-02-05. Review status: criteria provided, single submitter. Criteria: Ambry Variant Classification Scheme 2023. Collection method: clinical testing. Allele origin: germline.
Comment: The c.3647dupC variant, located in coding exon 19 of the BRIP1 gene, results from a duplication of C at nucleotide position 3647, causing a translational frameshift with a predicted alternate stop codon (p.W1217Lfs*4). This alteration occurs at the 3' terminus of theBRIP1 gene, is not expected to trigger nonsense-mediated mRNAdecay, and impacts the last 33 amino acids of the protein. The exact functional effect of this alteration is unknown. Based on the available evidence, the clinical significance of this variant remains unclear.